The following is an entry in ClinVar:

NM_001127208.3(TET2):c.2299A>G (p.Asn767Asp)

Genes: TET2-AS1 (TET2 antisense RNA 1; minus strand), TET2 (tet methylcytosine dioxygenase 2; plus strand). Cytogenetic location: 4q24.
Variant type: single nucleotide variant.
Coding change: c.2299A>G on transcript NM_001127208.3 (MANE Select); coding-DNA position 2299, A replaced by G.
Protein change: p.Asn767Asp; replaces asparagine 767 with aspartic acid.
Molecular consequence: missense variant.
Genome position (GRCh38, 1-based): chr4:105,236,241, A>G. VCF-style: chr4-105236241-A-G. GRCh37 (hg19) VCF-style: chr4-106157398-A-G.
Other names: c.2299A>G, p.Asn767Asp (NM_017628.4); short protein forms N767D.
Identifiers: ClinVar variation 2060917 (VCV002060917.8), dbSNP rs147167901, ClinGen allele CA3031855.

ClinVar aggregate classification (germline): Likely benign. Review status: criteria provided, single submitter (1 of 4 stars). 3 submissions from 3 submitters: Likely benign (1). 2 of the submissions do not count toward it. Last evaluated 2025-12-24.

Conditions:
TET2-related disorder. Also called: TET2-related condition.

Allele frequency attached by ClinVar (database versions not stated): gnomAD exomes 0.00021; ExAC 0.00046; 1000 Genomes Project 0.00120; 1000 Genomes Project 30x 0.00141; gnomAD 0.00163; TOPMed 0.00198; ESP Exome Variant Server 0.00208.
gnomAD v4.1: 554 of 1,614,136 alleles (0.034%); highest among the groups gnomAD compares: African/African-American, 0.69%; 2 homozygotes.

Submissions (3):

Labcorp Genetics (formerly Invitae), Labcorp
Classification: Likely benign. Last evaluated: 2025-12-24. Review status: criteria provided, single submitter. Criteria: Invitae Variant Classification Sherloc (09022015). Collection method: clinical testing. Allele origin: germline.

Genetic Services Laboratory, University of Chicago
Classification: Likely benign. Last evaluated: 2022-11-29. Review status: no assertion criteria provided. Collection method: clinical testing. Allele origin: germline. Affected: no. Not counted in ClinVar's aggregate classification.

PreventionGenetics, part of Exact Sciences
Classification: Likely benign for TET2-related condition. Last evaluated: 2021-05-19. Review status: no assertion criteria provided. Collection method: clinical testing. Allele origin: germline. Not counted in ClinVar's aggregate classification.
Comment: This variant is classified as likely benign based on ACMG/AMP sequence variant interpretation guidelines (Richards et al. 2015 PMID: 25741868, with internal and published modifications).